The following is an entry in ClinVar:

NM_032043.3(BRIP1):c.161T>C (p.Leu54Ser)

Gene: BRIP1 (BRCA1 interacting DNA helicase 1; minus strand). Cytogenetic location: 17q23.2.
Variant type: single nucleotide variant.
Coding change: c.161T>C on transcript NM_032043.3 (MANE Select); coding-DNA position 161, T replaced by C.
Protein change: p.Leu54Ser; replaces leucine 54 with serine.
Molecular consequence: missense variant.
Genome position (GRCh38, 1-based): chr17:61,859,840, A>G on the plus strand (T>C on the coding strand, the complement: BRIP1 is on the minus strand). VCF-style: chr17-61859840-A-G. GRCh37 (hg19) VCF-style: chr17-59937201-A-G.
Other names: short protein forms L54S.
Identifiers: ClinVar variation 1776583 (VCV001776583.2), dbSNP rs2078949879, ClinGen allele CA400485739.

ClinVar aggregate classification (germline): Uncertain significance (1 of 4 stars; one submission).

Conditions:
Hereditary cancer-predisposing syndrome. Also called: Neoplastic Syndromes, Hereditary; Tumor predisposition; Hereditary Cancer Syndrome; Hereditary neoplastic syndrome. Identifiers: Orphanet 140162, MedGen C0027672, MeSH D009386, MONDO:0015356.

Submission:

Ambry Genetics
Classification: Uncertain significance for Hereditary cancer-predisposing syndrome. Last evaluated: 2020-02-11. Review status: criteria provided, single submitter. Criteria: Ambry Variant Classification Scheme 2023. Collection method: clinical testing. Allele origin: germline.
Comment: The p.L54S variant (also known as c.161T>C), located in coding exon 2 of the BRIP1 gene, results from a T to C substitution at nucleotide position 161. The leucine at codon 54 is replaced by serine, an amino acid with dissimilar properties. This amino acid position is highly conserved in available vertebrate species. In addition, this alteration is predicted to be deleterious by in silico analysis. Since supporting evidence is limited at this time, the clinical significance of this alteration remains unclear.